The following is an entry in ClinVar:

ClinVar aggregate classification (germline): Pathogenic/Likely pathogenic. Review status: criteria provided, multiple submitters, no conflicts (2 of 4 stars). 2 submissions from 2 submitters: Pathogenic (1); Likely pathogenic (1). Last evaluated 2025-04-16.

Conditions:
Waardenburg syndrome type 2E (WS2E). Also called: WAARDENBURG SYNDROME, TYPE 2E, WITH OR WITHOUT NEUROLOGIC INVOLVEMENT; WS2E, WITH OR WITHOUT NEUROLOGIC INVOLVEMENT; HYPOGONADOTROPIC HYPOGONADISM WITH ANOSMIA AND DEAFNESS, WITH OR WITHOUT HYPOPIGMENTATION. Identifiers: Orphanet 3440, MedGen C2700405, MONDO:0012698, OMIM 611584.
SOX10-related disorder. Also called: SOX10-related condition.

Submissions (2):

Women's Health and Genetics/Laboratory Corporation of America, LabCorp
Classification: Likely pathogenic for Waardenburg syndrome type 2E. Last evaluated: 2025-04-16. Review status: criteria provided, single submitter. Criteria: LabCorp Variant Classification Summary - May 2015. Collection method: clinical testing. Allele origin: germline.
Comment: Variant summary: SOX10 c.428+2T>G is located in a canonical splice-site and is predicted to affect mRNA splicing resulting in a significantly altered protein due to either exon skipping, shortening, or inclusion of intronic material. Variants that disrupt the consensus splice site are a relatively common cause of aberrant splicing and loss of SOX10 function. Several computational tools predict a significant impact on normal splicing: Four predict the variant abolishes a 5' splicing donor site. However, these predictions have yet to be confirmed by functional studies. The frequency data for this variant in gnomAD v2.1 is considered unreliable, as metrics indicate poor data quality at this position. However the variant is absent in gnomAD v4.1. c.428+2T>G has been observed in an individual(s) affected with Waardenburg Syndrome Type 4 (Pingault_2010). To our knowledge, no experimental evidence demonstrating an impact on protein function has been reported. The following publication has been ascertained in the context of this evaluation (PMID: 20127975). No submitters have cited clinical-significance assessments for this variant to ClinVar. Based on the evidence outlined above, the variant was classified as likely pathogenic.

PreventionGenetics, part of Exact Sciences
Classification: Pathogenic for SOX10-related condition. Last evaluated: 2024-11-22. Review status: criteria provided, single submitter. Criteria: ACMG Guidelines, 2015. Collection method: clinical testing. Allele origin: germline.
Comment: The SOX10 c.428+2T>G variant is predicted to disrupt the GT donor site and interfere with normal splicing. This variant has been reported in an individual with Waardenburg syndrome type 4 (Table S5, Pingault et al. 2010. PubMed ID: 20127975). This variant has not been reported in a large population database (gnomAD), indicating this variant is rare. Variants that disrupt the consensus splice donor site in SOX10 are expected to be pathogenic. This variant is interpreted as pathogenic.

Literature cited by the submitters: PubMed 20127975 (cited by Women's Health and Genetics/Laboratory Corporation of America, LabCorp).

NM_006941.4(SOX10):c.428+2T>G

Genes: POLR2F (RNA polymerase II, I and III subunit F; plus strand), SOX10 (SRY-box transcription factor 10; minus strand). Cytogenetic location: 22q13.1.
Variant type: single nucleotide variant.
Coding change: c.428+2T>G on transcript NM_006941.4 (MANE Select); the canonical splice donor site of the intron after coding-DNA position 428, T replaced by G.
Molecular consequence: splice donor variant. On other transcripts: intron variant (3).
Genome position (GRCh38, 1-based): chr22:37,983,355, A>C on the plus strand (T>G on the coding strand, the complement: SOX10 is on the minus strand). VCF-style: chr22-37983355-A-C. GRCh37 (hg19) VCF-style: chr22-38379362-A-C.
Other names: c.428+2T>G (NM_006941.3); c.*38+11045A>C (NM_001363825.1); c.294-2799A>C (NM_001301130.2); c.293+16185A>C (NM_001301131.2).
Identifiers: ClinVar variation 3896227 (VCV003896227.3).